The following is an entry in ClinVar:

NM_005154.5(USP8):c.3290A>T (p.Lys1097Ile)

Genes: USP8 (ubiquitin specific peptidase 8; plus strand), USP50 (ubiquitin specific peptidase 50; minus strand). Cytogenetic location: 15q21.2.
Variant type: single nucleotide variant.
Coding change: c.3290A>T on transcript NM_005154.5 (MANE Select); coding-DNA position 3290, A replaced by T.
Protein change: p.Lys1097Ile; replaces lysine 1097 with isoleucine.
Molecular consequence: missense variant.
Genome position (GRCh38, 1-based): chr15:50,499,021, A>T. VCF-style: chr15-50499021-A-T. GRCh37 (hg19) VCF-style: chr15-50791218-A-T.
Other names: c.3290A>T, p.Lys1097Ile (NM_001128610.3); c.2972A>T, p.Lys991Ile (NM_001283049.2); short protein forms K991I, K1097I.
Identifiers: ClinVar variation 2814692 (VCV002814692.3), dbSNP rs1442958999, ClinGen allele CA392405541.

ClinVar aggregate classification (germline): Uncertain significance (1 of 4 stars; one submission).

Conditions:
Hereditary spastic paraplegia. Also called: Familial spastic paraparesis. Identifiers: Orphanet 685, MedGen C0037773, MONDO:0019064. Disease mechanism: loss of function.

Allele frequency attached by ClinVar (database versions not stated): gnomAD exomes below 0.00001; TOPMed below 0.00001; gnomAD 0.00001.
gnomAD v4.1: 4 of 1,613,826 alleles (0.00025%); highest among the groups gnomAD compares: Non-Finnish European, 0.00034%; no homozygotes.

Submission:

Labcorp Genetics (formerly Invitae), Labcorp
Classification: Uncertain significance for Hereditary spastic paraplegia. Last evaluated: 2024-04-29. Review status: criteria provided, single submitter. Criteria: Invitae Variant Classification Sherloc (09022015). Collection method: clinical testing. Allele origin: germline.
Comment: This sequence change replaces lysine, which is basic and polar, with isoleucine, which is neutral and non-polar, at codon 1097 of the USP8 protein (p.Lys1097Ile). This variant is not present in population databases (gnomAD no frequency). This variant has not been reported in the literature in individuals affected with USP8-related conditions. An algorithm developed to predict the effect of missense changes on protein structure and function (PolyPhen-2) suggests that this variant is likely to be disruptive. In summary, the available evidence is currently insufficient to determine the role of this variant in disease. Therefore, it has been classified as a Variant of Uncertain Significance.